The following is an entry in ClinVar:

NM_000059.4(BRCA2):c.1989T>G (p.Phe663Leu)

Gene: BRCA2 (BRCA2 DNA repair associated; plus strand). Cytogenetic location: 13q13.1.
Variant type: single nucleotide variant.
Coding change: c.1989T>G on transcript NM_000059.4 (MANE Select); coding-DNA position 1989, T replaced by G.
Protein change: p.Phe663Leu; replaces phenylalanine 663 with leucine.
Molecular consequence: missense variant. On other transcripts: non-coding transcript variant (1), intron variant (2).
Genome position (GRCh38, 1-based): chr13:32,336,344, T>G. VCF-style: chr13-32336344-T-G. GRCh37 (hg19) VCF-style: chr13-32910481-T-G.
Other names: c.1989T>G, p.Phe663Leu (NM_001406719.1, NM_001406720.1, NM_001432077.1); c.1909+2957T>G (NM_001406721.1); c.424+5314T>G (NM_001406722.1); short protein forms F663L.
Identifiers: ClinVar variation 4627968 (VCV004627968.1).

ClinVar aggregate classification (germline): Uncertain significance (1 of 4 stars; one submission).

Conditions:
Hereditary cancer-predisposing syndrome. Also called: Neoplastic Syndromes, Hereditary; Tumor predisposition; Hereditary Cancer Syndrome; Hereditary neoplastic syndrome. Identifiers: Orphanet 140162, MedGen C0027672, MeSH D009386, MONDO:0015356.

Submission:

Ambry Genetics
Classification: Uncertain significance for Hereditary cancer-predisposing syndrome. Last evaluated: 2025-10-15. Review status: criteria provided, single submitter. Criteria: Ambry Variant Classification Scheme 2023. Collection method: clinical testing. Allele origin: germline.
Comment: The p.F663L variant (also known as c.1989T>G), located in coding exon 10 of the BRCA2 gene, results from a T to G substitution at nucleotide position 1989. The phenylalanine at codon 663 is replaced by leucine, an amino acid with highly similar properties. This amino acid position is not well conserved in available vertebrate species. In addition, this alteration is predicted to be tolerated by in silico analysis. Based on the available evidence, the clinical significance of this variant remains unclear.